The following is an entry in ClinVar:

NM_000126.4(ETFA):c.52C>T (p.Arg18Ter)

Gene: ETFA (electron transfer flavoprotein subunit alpha; minus strand). Cytogenetic location: 15q24.2.
Variant type: single nucleotide variant.
Coding change: c.52C>T on transcript NM_000126.4 (MANE Select); coding-DNA position 52, C replaced by T.
Protein change: p.Arg18Ter; replaces arginine 18 with a stop codon.
Molecular consequence: nonsense. On other transcripts: intron variant (1).
Genome position (GRCh38, 1-based): chr15:76,295,725, G>A on the plus strand (C>T on the coding strand, the complement: ETFA is on the minus strand). VCF-style: chr15-76295725-G-A. GRCh37 (hg19) VCF-style: chr15-76588066-G-A.
Other names: c.40-3025C>T (NM_001127716.2); short protein forms R18*.
Identifiers: ClinVar variation 666198 (VCV000666198.24), dbSNP rs754202690, ClinGen allele CA7673866.
Genomic context (GRCh38, chr15:76,295,725, plus strand): 5'-AAGTAATGGGTGCTAGGGAATCATTTGCATGCTCAGCTATTACCAGGGTACTCTGAAATC[G>A]TAGCAATGAGGCCTAAAAAGAGCAAAAAGGAAAAAAAAAGGTAAAGAATGTTGTCACAGG-3'

ClinVar aggregate classification (germline): Pathogenic/Likely pathogenic. Review status: criteria provided, multiple submitters, no conflicts (2 of 4 stars). 10 submissions from 10 submitters: Pathogenic (8); Likely pathogenic (2). Last evaluated 2026-06-01.

Conditions:
Multiple acyl-CoA dehydrogenase deficiency (MADD). Also called: Glutaric acidemia type II; GA 2; Glutaric aciduria, type 2; Glutaric Acidemia type 2; ETHYLMALONIC-ADIPICACIDURIA; GA II. Identifiers: Orphanet 26791, MedGen C0268596, MONDO:0009282, OMIM 231680.
Glutaric acidemia type 2A.
Inborn genetic diseases. Identifiers: MedGen C0950123, MeSH D030342.

Allele frequency attached by ClinVar (database versions not stated): ExAC 0.00002; gnomAD 0.00004.
gnomAD v4.1: 74 of 1,609,326 alleles (0.0046%); highest among the groups gnomAD compares: South Asian, 0.012%; no homozygotes.

Submissions (10):

CeGaT Center for Human Genetics Tuebingen
Classification: Likely pathogenic. Last evaluated: 2026-06-01. Review status: criteria provided, single submitter. Criteria: CeGaT Center For Human Genetics Tuebingen Variant Classification Criteria Version 2. Collection method: clinical testing. Allele origin: germline. Affected: yes. Observed: 1 variant allele.
Comment: ETFA: PVS1:Strong, PM2, PM3:Supporting

Natera, Inc.
Classification: Pathogenic for Glutaric acidemia type 2A. Last evaluated: 2025-12-10. Review status: criteria provided, single submitter. Criteria: Natera Variant Classification Schema (03/2026). Collection method: clinical testing. Allele origin: germline.
Comment: The c.52C>T variant in ETFA is a nonsense variant predicted to introduce a stop codon at amino acid 18. This variant is expected to result in nonsense mediated decay, truncation, or a dysfunctional protein product. This variant is rare in the general population with a frequency below the threshold expected for the associated phenotype(s). This variant has been observed in one or more individuals affected with the associated recessive disease, as either homozygous or compound heterozygous with a second variant (PMID: 30612563). Given the available evidence, this variant is classified as Pathogenic.

Labcorp Genetics (formerly Invitae), Labcorp
Classification: Pathogenic for Multiple acyl-CoA dehydrogenase deficiency. Last evaluated: 2025-10-03. Review status: criteria provided, single submitter. Criteria: Invitae Variant Classification Sherloc (09022015). Collection method: clinical testing. Allele origin: germline.
Comment: This sequence change creates a premature translational stop signal (p.Arg18*) in the ETFA gene. It is expected to result in an absent or disrupted protein product. Loss-of-function variants in ETFA are known to be pathogenic (PMID: 16510302, 23785301). This variant is present in population databases (rs754202690, gnomAD 0.02%). This premature translational stop signal has been observed in individual(s) with Acyl-CoA dehydrogenase deficiency (PMID: 16510302). ClinVar contains an entry for this variant (Variation ID: 666198). For these reasons, this variant has been classified as Pathogenic.

Genomic Medicine Center of Excellence, King Faisal Specialist Hospital and Research Centre
Classification: Pathogenic for Multiple acyl-CoA dehydrogenase deficiency. Last evaluated: 2025-09-10. Review status: criteria provided, single submitter. Criteria: ACMG Guidelines, 2015. Collection method: clinical testing. Allele origin: germline.

Laboratory of Genetics, Children's Clinical University Hospital Latvia
Classification: Pathogenic. Last evaluated: 2025-02-16. Review status: criteria provided, single submitter. Criteria: ACMG Guidelines, 2015. Collection method: clinical testing. Allele origin: germline. Affected: yes.

Fulgent Genetics
Classification: Likely pathogenic for Multiple acyl-CoA dehydrogenase deficiency. Last evaluated: 2024-05-07. Review status: criteria provided, single submitter. Criteria: ACMG Guidelines, 2015. Collection method: clinical testing. Allele origin: germline.

Baylor Genetics
Classification: Pathogenic for Multiple acyl-CoA dehydrogenase deficiency. Last evaluated: 2024-03-22. Review status: criteria provided, single submitter. Criteria: ACMG Guidelines, 2015. Collection method: clinical testing. Allele origin: unknown.

Women's Health and Genetics/Laboratory Corporation of America, LabCorp
Classification: Pathogenic for Multiple acyl-CoA dehydrogenase deficiency. Last evaluated: 2024-01-22. Review status: criteria provided, single submitter. Criteria: LabCorp Variant Classification Summary - May 2015. Collection method: clinical testing. Allele origin: germline.
Comment: Variant summary: ETFA c.52C>T (p.Arg18X) results in a premature termination codon, predicted to cause a truncation of the encoded protein or absence of the protein due to nonsense mediated decay, which are commonly known mechanisms for disease. The variant allele was found at a frequency of 5.6e-05 in 251152 control chromosomes (gnomAD). This frequency is not significantly higher than estimated for a pathogenic variant in ETFA causing Glutaric Aciduria, Type 2a (5.6e-05 vs 0.0011), allowing no conclusion about variant significance. c.52C>T has been reported in the literature in individuals affected with Glutaric Aciduria, Type 2a. (examples: Schiff_2006, Wang_2019). The following publications have been ascertained in the context of this evaluation (PMID: 16510302, 30612563). ClinVar contains an entry for this variant (Variation ID: 666198). Based on the evidence outlined above, the variant was classified as pathogenic.

GeneDx
Classification: Pathogenic. Last evaluated: 2023-03-14. Review status: criteria provided, single submitter. Criteria: GeneDx Variant Classification Process June 2021. Collection method: clinical testing. Allele origin: germline. Affected: yes.
Comment: Nonsense variant predicted to result in protein truncation or nonsense mediated decay in a gene for which loss-of-function is a known mechanism of disease; This variant is associated with the following publications: (PMID: 25525159, 31980526, 30612563, 16510302)

Ambry Genetics
Classification: Pathogenic for Inborn genetic diseases. Last evaluated: 2021-12-23. Review status: criteria provided, single submitter. Criteria: Ambry Variant Classification Scheme 2023. Collection method: clinical testing. Allele origin: germline.
Comment: The c.52C>T (p.R18*) alteration, located in exon 2 (coding exon 2) of the ETFA gene, consists of a C to T substitution at nucleotide position 52. This changes the amino acid from a arginine (R) to a stop codon at amino acid position 18. This alteration is expected to result in loss of function by premature protein truncation or nonsense-mediated mRNA decay. Based on data from gnomAD, the T allele has an overall frequency of 0.01% (16/281070) total alleles studied. The highest observed frequency was 0.02% (6/30600) of South Asian alleles. Based on the available evidence, this alteration is classified as pathogenic.

Literature cited by the submitters: PubMed 30612563 (cited by Natera, Inc. and Women's Health and Genetics/Laboratory Corporation of America, LabCorp); PubMed 16510302 (cited by Labcorp Genetics (formerly Invitae), Labcorp and Women's Health and Genetics/Laboratory Corporation of America, LabCorp); PubMed 23785301 (cited by Labcorp Genetics (formerly Invitae), Labcorp).